The following is an entry in ClinVar:

ClinVar aggregate classification (germline): Uncertain significance. Review status: criteria provided, multiple submitters, no conflicts (2 of 4 stars). 2 submissions from 2 submitters: Uncertain significance (2). Last evaluated 2024-05-31.

Conditions:
Inborn genetic diseases. Identifiers: MedGen C0950123, MeSH D030342.

Allele frequency attached by ClinVar (database versions not stated): ExAC 0.00001; TOPMed 0.00002; gnomAD 0.00003.

Submissions (2):

GeneDx
Classification: Uncertain significance. Last evaluated: 2024-05-31. Review status: criteria provided, single submitter. Criteria: GeneDx Variant Classification Process June 2021. Collection method: clinical testing. Allele origin: germline. Affected: yes.
Comment: In silico analysis supports that this missense variant has a deleterious effect on protein structure/function; Has not been previously published as pathogenic or benign to our knowledge

Ambry Genetics
Classification: Uncertain significance for Inborn genetic diseases. Last evaluated: 2022-11-10. Review status: criteria provided, single submitter. Criteria: Ambry Variant Classification Scheme 2023. Collection method: clinical testing. Allele origin: germline.

NM_006793.5(PRDX3):c.391G>A (p.Ala131Thr)

Gene: PRDX3 (peroxiredoxin 3; minus strand). Cytogenetic location: 10q26.11.
Variant type: single nucleotide variant.
Coding change: c.391G>A on transcript NM_006793.5 (MANE Select); coding-DNA position 391, G replaced by A.
Protein change: p.Ala131Thr; replaces alanine 131 with threonine.
Molecular consequence: missense variant. On other transcripts: non-coding transcript variant (3).
Genome position (GRCh38, 1-based): chr10:119,173,793, C>T on the plus strand (G>A on the coding strand, the complement: PRDX3 is on the minus strand). VCF-style: chr10-119173793-C-T. GRCh37 (hg19) VCF-style: chr10-120933305-C-T.
Other names: c.391G>A, p.Ala131Thr (NM_001302272.2); c.391G>A (NM_006793.4); short protein forms A131T.
Identifiers: ClinVar variation 2210777 (VCV002210777.3), dbSNP rs759604849, ClinGen allele CA5714904.